The following is an entry in ClinVar:

ClinVar aggregate classification (germline): Uncertain significance (1 of 4 stars; one submission).

Conditions:
Hereditary cancer-predisposing syndrome. Also called: Tumor predisposition; Hereditary neoplastic syndrome; Hereditary Cancer Syndrome; Neoplastic Syndromes, Hereditary. Identifiers: Orphanet 140162, MedGen C0027672, MeSH D009386, MONDO:0015356.

Submission:

Ambry Genetics
Classification: Uncertain significance for Hereditary cancer-predisposing syndrome. Last evaluated: 2023-11-02. Review status: criteria provided, single submitter. Criteria: Ambry Variant Classification Scheme 2023. Collection method: clinical testing. Allele origin: germline.
Comment: The p.Q175E variant (also known as c.523C>G), located in coding exon 5 of the EPCAM gene, results from a C to G substitution at nucleotide position 523. The glutamine at codon 175 is replaced by glutamic acid, an amino acid with highly similar properties. This amino acid position is conserved. In addition, this alteration is predicted to be tolerated by in silico analysis. Since supporting evidence is limited at this time, the clinical significance of this alteration remains unclear.

NM_002354.3(EPCAM):c.523C>G (p.Gln175Glu)

Gene: EPCAM (epithelial cell adhesion molecule; plus strand). Cytogenetic location: 2p21.
Variant type: single nucleotide variant.
Coding change: c.523C>G on transcript NM_002354.3 (MANE Select); coding-DNA position 523, C replaced by G.
Protein change: p.Gln175Glu; replaces glutamine 175 with glutamic acid.
Molecular consequence: missense variant.
Genome position (GRCh38, 1-based): chr2:47,377,045, C>G. VCF-style: chr2-47377045-C-G. GRCh37 (hg19) VCF-style: chr2-47604184-C-G.
Other names: short protein forms Q175E.
Identifiers: ClinVar variation 3222117 (VCV003222117.1), dbSNP rs878854491, ClinGen allele CA346724003.